The following is an entry in ClinVar:

ClinVar aggregate classification (germline): Uncertain significance. Review status: criteria provided, multiple submitters, no conflicts (2 of 4 stars). 2 submissions from 2 submitters: Uncertain significance (2). Last evaluated 2024-01-11.

Conditions:
MECOM-related disorder. Also called: MECOM-related condition.

Allele frequency attached by ClinVar (database versions not stated): TOPMed below 0.00001; ExAC 0.00001; gnomAD exomes 0.00005.
gnomAD v4.1: 65 of 1,581,330 alleles (0.0041%); highest among the groups gnomAD compares: Non-Finnish European, 0.0055%; no homozygotes.

Submissions (2):

Labcorp Genetics (formerly Invitae), Labcorp
Classification: Uncertain significance. Last evaluated: 2024-01-11. Review status: criteria provided, single submitter. Criteria: Invitae Variant Classification Sherloc (09022015). Collection method: clinical testing. Allele origin: germline.
Comment: This sequence change falls in intron 15 of the MECOM gene. It does not directly change the encoded amino acid sequence of the MECOM protein. It affects a nucleotide within the consensus splice site. This variant is present in population databases (rs765591199, gnomAD 0.001%). This variant has not been reported in the literature in individuals affected with MECOM-related conditions. ClinVar contains an entry for this variant (Variation ID: 2634764). Variants that disrupt the consensus splice site are a relatively common cause of aberrant splicing (PMID: 17576681, 9536098). Algorithms developed to predict the effect of sequence changes on RNA splicing suggest that this variant may disrupt the consensus splice site. In summary, the available evidence is currently insufficient to determine the role of this variant in disease. Therefore, it has been classified as a Variant of Uncertain Significance.

PreventionGenetics, part of Exact Sciences
Classification: Uncertain significance for MECOM-related condition. Last evaluated: 2022-12-21. Review status: criteria provided, single submitter. Criteria: ACMG Guidelines, 2015. Collection method: clinical testing. Allele origin: germline.
Comment: The MECOM c.3585+3A>G variant is predicted to interfere with splicing. To our knowledge, this variant has not been reported in the literature or in a large population database, indicating this variant is rare. Loss of a donor splice site is possible based on in silico algorithms (Alamut Visual 1.6.1), however, no functional evidence is available to confirm this prediction. At this time, the clinical significance of this variant is uncertain due to the absence of conclusive functional and genetic evidence.

Literature cited by the submitters: PubMed 17576681 (cited by Labcorp Genetics (formerly Invitae), Labcorp); PubMed 9536098 (cited by Labcorp Genetics (formerly Invitae), Labcorp).

NM_004991.4(MECOM):c.3585+3A>G

Gene: MECOM (MDS1 and EVI1 complex locus; minus strand). Cytogenetic location: 3q26.2.
Variant type: single nucleotide variant.
Coding change: c.3585+3A>G on transcript NM_004991.4 (MANE Select); 3 bases into the intron after coding-DNA position 3585, A replaced by G.
Molecular consequence: intron variant.
Genome position (GRCh38, 1-based): chr3:169,088,997, T>C on the plus strand (A>G on the coding strand, the complement: MECOM is on the minus strand). VCF-style: chr3-169088997-T-C. GRCh37 (hg19) VCF-style: chr3-168806785-T-C.
Other names: c.3021+3A>G (NM_001205194.2, NM_001366469.2, NM_001105078.4 and 1 more transcripts); c.2586+3A>G (NM_001366473.2); c.3558+3A>G (NM_001366466.2); c.2022+3A>G (NM_001366474.2); c.2994+3A>G (NM_001164000.2, NM_001366471.2, NM_001366472.2); c.2997+3A>G (NM_001366470.2, NM_001163999.2); c.3024+3A>G (NM_001366467.2, NM_001366468.2); c.3216+3A>G (NM_001105077.4).
Identifiers: ClinVar variation 2634764 (VCV002634764.4), dbSNP rs765591199, ClinGen allele CA2695865.
Genomic context (GRCh38, chr3:169,088,997, plus strand): 5'-CAAAGGAAATGTACGTTTCATGCATAATGTAACCATGATGCTGTACTATGGGAAAATCTG[T>C]ACCTGCGATTTGGACTTTCTGTGTAACGGCTGCTTAAGTTCCTCTGGCACATGGGAAGTA-3'